The following is an entry in ClinVar:

ClinVar aggregate classification (germline): Uncertain significance (1 of 4 stars; one submission).

Allele frequency attached by ClinVar (database versions not stated): gnomAD exomes below 0.00001; TOPMed below 0.00001; gnomAD 0.00001.
gnomAD v4.1: 2 of 1,613,964 alleles (0.00012%); highest among the groups gnomAD compares: Non-Finnish European, 0.00017%; no homozygotes.

Submission:

Labcorp Genetics (formerly Invitae), Labcorp
Classification: Uncertain significance. Last evaluated: 2025-03-03. Review status: criteria provided, single submitter. Criteria: Invitae Variant Classification Sherloc (09022015). Collection method: clinical testing. Allele origin: germline.
Comment: This sequence change replaces proline, which is neutral and non-polar, with alanine, which is neutral and non-polar, at codon 528 of the SON protein (p.Pro528Ala). This variant is present in population databases (no rsID available, gnomAD 0.0009%). This variant has not been reported in the literature in individuals affected with SON-related conditions. ClinVar contains an entry for this variant (Variation ID: 2076934). An algorithm developed to predict the effect of missense changes on protein structure and function (PolyPhen-2) suggests that this variant is likely to be tolerated. In summary, the available evidence is currently insufficient to determine the role of this variant in disease. Therefore, it has been classified as a Variant of Uncertain Significance.

NM_138927.4(SON):c.1582C>G (p.Pro528Ala)

Gene: SON (SON DNA and RNA binding protein; plus strand). Cytogenetic location: 21q22.11.
Variant type: single nucleotide variant.
Coding change: c.1582C>G on transcript NM_138927.4 (MANE Select); coding-DNA position 1582, C replaced by G.
Protein change: p.Pro528Ala; replaces proline 528 with alanine.
Molecular consequence: missense variant. On other transcripts: non-coding transcript variant (1), intron variant (1).
Genome position (GRCh38, 1-based): chr21:33,550,813, C>G. VCF-style: chr21-33550813-C-G. GRCh37 (hg19) VCF-style: chr21-34923119-C-G.
Other names: c.1582C>G, p.Pro528Ala (NM_001291411.2, NM_001412133.1, NM_032195.3 and 2 more transcripts); c.244+4434C>G (NM_001291412.3); short protein forms P528A.
Identifiers: ClinVar variation 2076934 (VCV002076934.4), dbSNP rs1267506573, ClinGen allele CA410154473.
Genomic context (GRCh38, chr21:33,550,813, plus strand): 5'-GTGACGACGACAGAGTTGGAGCAGCCTGTGGGGATGACAACGGTGGAACATCCTGGGCAT[C>G]CTGAGGTGACAACGGCAACAGGGTTGCTGGGGCAGCCTGAGGCAACGATGGTGCTGGAGT-3'
Protein context (NP_620305.3, residues 518-538): GMTTVEHPGH[Pro528Ala]EVTTATGLLG